The following is an entry in ClinVar:

NM_006514.4(SCN10A):c.3508-189G>T

Gene: SCN10A (sodium voltage-gated channel alpha subunit 10; minus strand). Cytogenetic location: 3p22.2.
Variant type: single nucleotide variant.
Coding change: c.3508-189G>T on transcript NM_006514.4 (MANE Select); 189 bases into the intron before coding-DNA position 3508, G replaced by T.
Molecular consequence: intron variant.
Genome position (GRCh38, 1-based): chr3:38,719,015, C>A on the plus strand (G>T on the coding strand, the complement: SCN10A is on the minus strand). VCF-style: chr3-38719015-C-A. GRCh37 (hg19) VCF-style: chr3-38760506-C-A.
Other names: NC_000003.11:g.38760506C>A; c.3214-189G>T (NM_001293307.2); c.3505-189G>T (NM_001293306.2).
Identifiers: ClinVar variation 669292 (VCV000669292.2), dbSNP rs6805187, ClinGen allele CA15267434.

ClinVar aggregate classification (germline): Benign (1 of 4 stars; one submission).

Allele frequency attached by ClinVar (database versions not stated): TOPMed 0.43622; 1000 Genomes Project 30x 0.51140; 1000 Genomes Project 0.51278; gnomAD 0.42313 and 0.42593.
gnomAD v4.1: 64,707 of 152,052 alleles (43%); highest among the groups gnomAD compares: East Asian, 71%; 14,845 homozygotes.

Submissions (3):

GeneDx
Classification: Benign. Last evaluated: 2018-06-19. Review status: criteria provided, single submitter. Criteria: GeneDx Variant Classification (06012015). Collection method: clinical testing. Allele origin: germline. Affected: yes.
Comment: This variant is considered likely benign or benign based on one or more of the following criteria: it is a conservative change, it occurs at a poorly conserved position in the protein, it is predicted to be benign by multiple in silico algorithms, and/or has population frequency not consistent with disease.

Dr. Peter K. Rogan Lab, Western University
No classification provided (evidence only). Condition: Lung cancer. Review status: no classification provided. Collection method: in vitro. Allele origin: not applicable. Functional consequence: retained intron. Not counted in ClinVar's aggregate classification.

Dr. Peter K. Rogan Lab, Western University
No classification provided (evidence only). Condition: Cholangiocarcinoma. Review status: no classification provided. Collection method: in vitro. Allele origin: not applicable. Functional consequence: retained intron. Not counted in ClinVar's aggregate classification.